The following is an entry in ClinVar:

ClinVar aggregate classification (germline): Uncertain significance. Review status: criteria provided, multiple submitters, no conflicts (2 of 4 stars). 2 submissions from 2 submitters: Uncertain significance (2). Last evaluated 2025-07-16.

Allele frequency attached by ClinVar (database versions not stated): TOPMed below 0.00001; gnomAD 0.00001; ESP Exome Variant Server 0.00008.

Submissions (2):

Women's Health and Genetics/Laboratory Corporation of America, LabCorp
Classification: Uncertain significance. Last evaluated: 2025-07-16. Review status: criteria provided, single submitter. Criteria: LabCorp Variant Classification Summary - May 2015. Collection method: clinical testing. Allele origin: germline.
Comment: Variant summary: FGF23 c.250G>A (p.Val84Met) results in a conservative amino acid change in the encoded protein sequence. Algorithms developed to predict the effect of missense changes on protein structure and function are either unavailable or do not agree on the potential impact of this missense change. The variant allele was found at a frequency of 2e-05 in 251242 control chromosomes. The available data on variant occurrences in the general population are insufficient to allow any conclusion about variant significance. To our knowledge, no occurrence of c.250G>A in individuals affected with Autosomal Dominant Hypophosphatemic Rickets and no experimental evidence demonstrating its impact on protein function have been reported. ClinVar contains an entry for this variant (Variation ID: 2970416). Based on the evidence outlined above, the variant was classified as uncertain significance.

Labcorp Genetics (formerly Invitae), Labcorp
Classification: Uncertain significance. Last evaluated: 2025-01-28. Review status: criteria provided, single submitter. Criteria: Invitae Variant Classification Sherloc (09022015). Collection method: clinical testing. Allele origin: germline.
Comment: This sequence change replaces valine, which is neutral and non-polar, with methionine, which is neutral and non-polar, at codon 84 of the FGF23 protein (p.Val84Met). This variant is present in population databases (rs368756067, gnomAD 0.004%). This variant has not been reported in the literature in individuals affected with FGF23-related conditions. ClinVar contains an entry for this variant (Variation ID: 2970416). Invitae Evidence Modeling of protein sequence and biophysical properties (such as structural, functional, and spatial information, amino acid conservation, physicochemical variation, residue mobility, and thermodynamic stability) has been performed for this missense variant. However, the output from this modeling did not meet the statistical confidence thresholds required to predict the impact of this variant on FGF23 protein function. In summary, the available evidence is currently insufficient to determine the role of this variant in disease. Therefore, it has been classified as a Variant of Uncertain Significance.

NM_020638.3(FGF23):c.250G>A (p.Val84Met)

Gene: FGF23 (fibroblast growth factor 23; minus strand). Cytogenetic location: 12p13.32.
Variant type: single nucleotide variant.
Coding change: c.250G>A on transcript NM_020638.3 (MANE Select); coding-DNA position 250, G replaced by A.
Protein change: p.Val84Met; replaces valine 84 with methionine.
Molecular consequence: missense variant.
Genome position (GRCh38, 1-based): chr12:4,372,659, C>T on the plus strand (G>A on the coding strand, the complement: FGF23 is on the minus strand). VCF-style: chr12-4372659-C-T. GRCh37 (hg19) VCF-style: chr12-4481825-C-T.
Other names: short protein forms V84M.
Identifiers: ClinVar variation 2970416 (VCV002970416.4), dbSNP rs368756067, ClinGen allele CA6395729.
Genomic context (GRCh38, chr12:4,372,659, plus strand): 5'-CAAAAATGTTGCCTCTGAAATCCATGCAGAGGTATCTTCTGCTCATCACACCTGTAATCA[C>T]CACAAAGCCAGCATCCTCTGATCTGATCATCAGGGCACCTATGGAGAAAAACAGGCAGGG-3'
Protein context (NP_065689.1, residues 74-94): MIRSEDAGFV[Val84Met]ITGVMSRRYL